The following is an entry in ClinVar:

ClinVar aggregate classification (germline): Uncertain significance. Review status: criteria provided, multiple submitters, no conflicts (2 of 4 stars). 2 submissions from 2 submitters: Uncertain significance (2). Last evaluated 2025-01-27.

Conditions:
Myopathy, myofibrillar, 9, with early respiratory failure (MFM9). Also called: Hereditary myopathy with early respiratory failure; EDSTROM MYOPATHY; MYOPATHY, PROXIMAL, WITH EARLY RESPIRATORY MUSCLE INVOLVEMENT; Myopathy, distal, with early respiratory failure, autosomal dominant. Identifiers: Orphanet 178464, Orphanet 34521, MedGen C1863599, MONDO:0011362, OMIM 603689.
Hypertrophic cardiomyopathy 9. Also called: Familial hypertrophic cardiomyopathy 9. Identifiers: MedGen C1861065, MONDO:0013412, OMIM 613765.
Autosomal recessive limb-girdle muscular dystrophy type 2J (LGMDR10). Also called: Limb-girdle muscular dystrophy, type 2J; MUSCULAR DYSTROPHY, LIMB-GIRDLE, AUTOSOMAL RECESSIVE 10. Identifiers: Orphanet 140922, MedGen C1837342, MONDO:0012127, OMIM 608807.
Tibial muscular dystrophy (TMD). Also called: Udd Distal Myopathy – Tibial Muscular Dystrophy; Tibial muscular dystrophy, tardive; UDD MYOPATHY. Identifiers: Orphanet 609, MedGen C1838244, MONDO:0010870, OMIM 600334.
Early-onset myopathy with fatal cardiomyopathy (CMYO5). Also called: Salih Myopathy; CONGENITAL MYOPATHY 5 WITH CARDIOMYOPATHY. Identifiers: Orphanet 289377, MedGen C2673677, MONDO:0012714, OMIM 611705. Disease mechanism: loss of function.
Dilated cardiomyopathy 1G (CMD1G). Identifiers: Orphanet 154, MedGen C1858763, MONDO:0011400, OMIM 604145.

Allele frequency attached by ClinVar (database versions not stated): gnomAD 0.00001; TOPMed 0.00001; gnomAD exomes 0.00002; ExAC 0.00005.
gnomAD v4.1: 10 of 1,501,654 alleles (0.00067%); highest among the groups gnomAD compares: Non-Finnish European, 0.0008%; no homozygotes.

Submissions (2):

Labcorp Genetics (formerly Invitae), Labcorp
Classification: Uncertain significance for Dilated cardiomyopathy 1G; Autosomal recessive limb-girdle muscular dystrophy type 2J. Last evaluated: 2025-01-27. Review status: criteria provided, single submitter. Criteria: Invitae Variant Classification Sherloc (09022015). Collection method: clinical testing. Allele origin: germline.
Comment: This sequence change falls in intron 48 of the TTN gene. It does not directly change the encoded amino acid sequence of the TTN protein. It affects a nucleotide within the consensus splice site. This variant is present in population databases (rs757575983, gnomAD 0.005%). This variant has not been reported in the literature in individuals affected with TTN-related conditions. ClinVar contains an entry for this variant (Variation ID: 1438287). Variants that disrupt the consensus splice site are a relatively common cause of aberrant splicing (PMID: 17576681, 9536098). Algorithms developed to predict the effect of sequence changes on RNA splicing suggest that this variant may disrupt the consensus splice site. This variant is located in the I band of TTN (PMID: 25589632). Non-truncating variants in this region may be clinically relevant, but have not been definitively shown to cause cardiomyopathy or neuromuscular disease (PMID: 27493940, 32778822). In summary, the available evidence is currently insufficient to determine the role of this variant in disease. Therefore, it has been classified as a Variant of Uncertain Significance.

Fulgent Genetics
Classification: Uncertain significance for Tibial muscular dystrophy; Myopathy, myofibrillar, 9, with early respiratory failure; Dilated cardiomyopathy 1G; Autosomal recessive limb-girdle muscular dystrophy type 2J; Early-onset myopathy with fatal cardiomyopathy; Hypertrophic cardiomyopathy 9. Last evaluated: 2022-02-11. Review status: criteria provided, single submitter. Criteria: ACMG Guidelines, 2015. Collection method: clinical testing. Allele origin: unknown.

Literature cited by the submitters: PubMed 17576681 (cited by Labcorp Genetics (formerly Invitae), Labcorp); PubMed 9536098 (cited by Labcorp Genetics (formerly Invitae), Labcorp); PubMed 25589632 (cited by Labcorp Genetics (formerly Invitae), Labcorp); PubMed 27493940 (cited by Labcorp Genetics (formerly Invitae), Labcorp); PubMed 32778822 (cited by Labcorp Genetics (formerly Invitae), Labcorp).

NM_001267550.2(TTN):c.14092+5G>A

Gene: TTN (titin; minus strand). Cytogenetic location: 2q31.2.
Variant type: single nucleotide variant.
Coding change: c.14092+5G>A on transcript NM_001267550.2 (MANE Select); 5 bases into the intron after coding-DNA position 14092, G replaced by A.
Molecular consequence: intron variant.
Genome position (GRCh38, 1-based): chr2:178,739,136, C>T on the plus strand (G>A on the coding strand, the complement: TTN is on the minus strand). VCF-style: chr2-178739136-C-T. GRCh37 (hg19) VCF-style: chr2-179603863-C-T.
Other names: c.13003+5G>A (NM_003319.4); c.13579+5G>A (NM_133437.4); c.13378+5G>A (NM_133432.3); c.10361-776G>A (NM_133378.4); c.13141+5G>A (NM_001256850.1).
Identifiers: ClinVar variation 1438287 (VCV001438287.9), dbSNP rs757575983, ClinGen allele CA2002485.